The following is an entry in ClinVar:

NM_201384.3(PLEC):c.7200GGA[1] (p.Glu2401del)

Gene: PLEC (plectin; minus strand). Cytogenetic location: 8q24.3.
Variant type: Microsatellite.
Coding change: c.7200GGA[1] on transcript NM_201384.3 (MANE Select); one copy of the 3-base unit GGA starting at c.7200; the reference has two copies in a row; one copy, 3 bases deleted.
Protein change: p.Glu2401del; deletes glutamic acid 2401.
Molecular consequence: inframe deletion. On other transcripts: intron variant (1).
Genome position (GRCh38, 1-based): chr8:143,922,724-143,922,726, TCC deleted on the plus strand (GGA on the coding strand, the reverse complement: PLEC is on the minus strand); deleting any 3 consecutive bases within chr8:143,922,724-143,922,731 gives the same sequence; the position shown is the placement nearest the transcript's 3' end. VCF-style (leftmost placement, unchanged base first): chr8-143922723-GTCC-G. GRCh37 (hg19) VCF-style: chr8-144996891-GTCC-G.
Other names: c.7281GGA[1], p.Glu2428del (NM_000445.5); c.7158GGA[1], p.Glu2387del (NM_201378.4); c.7134GGA[1], p.Glu2379del (NM_201379.3); c.7611GGA[1], p.Glu2538del (NM_201380.4); c.7104GGA[1], p.Glu2369del (NM_201381.3); c.7200GGA[1], p.Glu2401del (NM_201382.4); c.7212GGA[1], p.Glu2405del (NM_201383.3); c.4126-331_4126-329del (NM_001410941.1); short protein forms E2387del, E2369del, E2401del, E2428del, E2538del, E2379del, E2405del.
Identifiers: ClinVar variation 4995607 (VCV004995607.1).

ClinVar aggregate classification (germline): Uncertain significance (1 of 4 stars; one submission).

Conditions:
PLEC-related disorder. Also called: PLEC-related disorders; PLEC-related condition.

Submission:

PreventionGenetics, part of Exact Sciences
Classification: Uncertain significance for PLEC-related condition. Last evaluated: 2026-07-20. Review status: criteria provided, single submitter. Criteria: ACMG Guidelines, 2015. Collection method: clinical testing. Allele origin: germline.
Comment: The PLEC c.7284_7286delGGA variant is predicted to result in an in-frame deletion (p.Glu2428del). To our knowledge, this variant has not been reported in the literature. This variant is reported in 0.0045% of alleles in individuals of European (Non-Finnish) descent in gnomAD. At this time, the clinical significance of this variant is uncertain due to the absence of conclusive functional and genetic evidence.